The following is an entry in ClinVar:

NM_000264.5(PTCH1):c.2125A>G (p.Arg709Gly)

Genes: PTCH1 (patched 1; minus strand), LOC100507346 (uncharacterized LOC100507346; plus strand). Cytogenetic location: 9q22.32.
Variant type: single nucleotide variant.
Coding change: c.2125A>G on transcript NM_000264.5 (MANE Select); coding-DNA position 2125, A replaced by G.
Protein change: p.Arg709Gly; replaces arginine 709 with glycine.
Molecular consequence: missense variant. On other transcripts: non-coding transcript variant (2).
Genome position (GRCh38, 1-based): chr9:95,468,876, T>C on the plus strand (A>G on the coding strand, the complement: PTCH1 is on the minus strand). VCF-style: chr9-95468876-T-C. GRCh37 (hg19) VCF-style: chr9-98231158-T-C.
Other names: c.1927A>G, p.Arg643Gly (NM_001083602.3); c.2122A>G, p.Arg708Gly (NM_001083603.3); c.1672A>G, p.Arg558Gly (NM_001083604.3, NM_001083605.3, NM_001083606.3 and 1 more transcripts); c.1969A>G, p.Arg657Gly (NM_001354918.2); short protein forms R708G, R657G, R558G, R643G, R709G.
Identifiers: ClinVar variation 1786306 (VCV001786306.2), dbSNP rs2118035695, ClinGen allele CA374115605.

ClinVar aggregate classification (germline): Uncertain significance (1 of 4 stars; one submission).

Conditions:
Hereditary cancer-predisposing syndrome. Also called: Neoplastic Syndromes, Hereditary; Tumor predisposition; Hereditary Cancer Syndrome; Hereditary neoplastic syndrome. Identifiers: Orphanet 140162, MedGen C0027672, MeSH D009386, MONDO:0015356.

Submission:

Ambry Genetics
Classification: Uncertain significance for Hereditary cancer-predisposing syndrome. Last evaluated: 2021-02-12. Review status: criteria provided, single submitter. Criteria: Ambry Variant Classification Scheme 2023. Collection method: clinical testing. Allele origin: germline.
Comment: The p.R709G variant (also known as c.2125A>G), located in coding exon 14 of the PTCH1 gene, results from an A to G substitution at nucleotide position 2125. The arginine at codon 709 is replaced by glycine, an amino acid with dissimilar properties. This amino acid position is highly conserved in available vertebrate species. In addition, the in silico prediction for this alteration is inconclusive. Since supporting evidence is limited at this time, the clinical significance of this alteration remains unclear.